The following is an entry in ClinVar:

ClinVar aggregate classification (germline): Uncertain significance. Review status: criteria provided, multiple submitters, no conflicts (2 of 4 stars). 2 submissions from 2 submitters: Uncertain significance (2). Last evaluated 2022-08-08.

Conditions:
Inborn genetic diseases. Identifiers: MedGen C0950123, MeSH D030342.

Allele frequency attached by ClinVar (database versions not stated): gnomAD 0.00001; gnomAD exomes 0.00001; ExAC 0.00002; TOPMed 0.00002.
gnomAD v4.1: 19 of 1,613,814 alleles (0.0012%); highest among the groups gnomAD compares: Non-Finnish European, 0.0015%; no homozygotes.

Submissions (2):

Ambry Genetics
Classification: Uncertain significance for Inborn genetic diseases. Last evaluated: 2022-08-08. Review status: criteria provided, single submitter. Criteria: Ambry Variant Classification Scheme 2023. Collection method: clinical testing. Allele origin: germline.

Labcorp Genetics (formerly Invitae), Labcorp
Classification: Uncertain significance. Last evaluated: 2022-07-23. Review status: criteria provided, single submitter. Criteria: Invitae Variant Classification Sherloc (09022015). Collection method: clinical testing. Allele origin: germline.
Comment: In summary, the available evidence is currently insufficient to determine the role of this variant in disease. Therefore, it has been classified as a Variant of Uncertain Significance. Algorithms developed to predict the effect of missense changes on protein structure and function are either unavailable or do not agree on the potential impact of this missense change (SIFT: "Tolerated"; PolyPhen-2: "Probably Damaging"; Align-GVGD: "Class C0"). This variant has not been reported in the literature in individuals affected with FNIP1-related conditions. This variant is present in population databases (rs751825253, gnomAD 0.003%). This sequence change replaces arginine, which is basic and polar, with glutamine, which is neutral and polar, at codon 217 of the FNIP1 protein (p.Arg217Gln).

NM_133372.3(FNIP1):c.650G>A (p.Arg217Gln)

Gene: FNIP1 (folliculin interacting protein 1; minus strand). Cytogenetic location: 5q31.1.
Variant type: single nucleotide variant.
Coding change: c.650G>A on transcript NM_133372.3 (MANE Select); coding-DNA position 650, G replaced by A.
Protein change: p.Arg217Gln; replaces arginine 217 with glutamine.
Molecular consequence: missense variant. On other transcripts: intron variant (1).
Genome position (GRCh38, 1-based): chr5:131,710,634, C>T on the plus strand (G>A on the coding strand, the complement: FNIP1 is on the minus strand). VCF-style: chr5-131710634-C-T. GRCh37 (hg19) VCF-style: chr5-131046327-C-T.
Other names: c.650G>A, p.Arg217Gln (NM_001346113.2); c.515G>A, p.Arg172Gln (NM_001346114.2); c.623-1362G>A (NM_001008738.3); short protein forms R217Q, R172Q.
Identifiers: ClinVar variation 1904479 (VCV001904479.6), dbSNP rs751825253, ClinGen allele CA3400859.
Genomic context (GRCh38, chr5:131,710,634, plus strand): 5'-AAACCTGCAAAGAAAGAGGCGCTCCTGATCAGGCGGAGCGGACCCTGCTCAGAGAATGCC[C>T]GCCTGGGGCTGCAGAACTGTGAAAGACCTACATGGCAAAAACGTAAAATACACATGAAAG-3'
Protein context (NP_588613.3, residues 207-227): IGLSQFCSPR[Arg217Gln]AFSEQGPLRL